The following is an entry in ClinVar:

ClinVar aggregate classification (germline): Uncertain significance (1 of 4 stars; one submission).

Conditions:
Long QT syndrome (LQTS). Identifiers: MedGen C0023976, MeSH D008133, MONDO:0002442. Disease mechanism: loss of function. Inheritance: Various modes of inheritance.

Submission:

Labcorp Genetics (formerly Invitae), Labcorp
Classification: Uncertain significance for Long QT syndrome. Last evaluated: 2025-12-11. Review status: criteria provided, single submitter. Criteria: Invitae Variant Classification Sherloc (09022015). Collection method: clinical testing. Allele origin: germline.
Comment: This sequence change replaces asparagine, which is neutral and polar, with tyrosine, which is neutral and polar, at codon 897 of the AKAP9 protein (p.Asn897Tyr). This variant is not present in population databases (gnomAD no frequency). This variant has not been reported in the literature in individuals affected with AKAP9-related conditions. An algorithm developed to predict the effect of missense changes on protein structure and function (PolyPhen-2) suggests that this variant is likely to be tolerated. In summary, the available evidence is currently insufficient to determine the role of this variant in disease. Therefore, it has been classified as a Variant of Uncertain Significance.

NM_005751.5(AKAP9):c.2689A>T (p.Asn897Tyr)

Gene: AKAP9 (A-kinase anchoring protein 9; plus strand). Cytogenetic location: 7q21.2.
Variant type: single nucleotide variant.
Coding change: c.2689A>T on transcript NM_005751.5 (MANE Select); coding-DNA position 2689, A replaced by T.
Protein change: p.Asn897Tyr; replaces asparagine 897 with tyrosine.
Molecular consequence: missense variant.
Genome position (GRCh38, 1-based): chr7:92,002,606, A>T. VCF-style: chr7-92002606-A-T. GRCh37 (hg19) VCF-style: chr7-91631920-A-T.
Other names: c.2689A>T, p.Asn897Tyr (NM_147185.3); short protein forms N897Y.
Identifiers: ClinVar variation 4729446 (VCV004729446.1).